The following is an entry in ClinVar:

ClinVar aggregate classification (germline): Benign (1 of 4 stars; one submission).

Conditions:
Familial cancer of breast. Also called: hereditary breast carcinoma; Hereditary breast cancer; BREAST CANCER, FAMILIAL. Identifiers: Orphanet 227535, MedGen C0346153, MONDO:0016419, OMIM 114480. Disease mechanism: loss of function.

gnomAD v4.1: 1 of 1,609,714 alleles (0.000062%); highest among the groups gnomAD compares: Non-Finnish European, 0.000085%; no homozygotes.

Submission:

Myriad Genetics, Inc.
Classification: Benign for Familial cancer of breast. Last evaluated: 2024-09-10. Review status: criteria provided, single submitter. Criteria: Myriad Autosomal Dominant, Autosomal Recessive and X-Linked Classification Criteria (2023). Collection method: clinical testing. Allele origin: unknown.
Comment: This variant is considered benign. This variant is a silent/synonymous amino acid change and it is not expected to impact splicing.

NM_032043.3(BRIP1):c.3729C>T (p.Gly1243=)

Gene: BRIP1 (BRCA1 interacting DNA helicase 1; minus strand). Cytogenetic location: 17q23.2.
Variant type: single nucleotide variant.
Coding change: c.3729C>T on transcript NM_032043.3 (MANE Select); coding-DNA position 3729, C replaced by T.
Protein change: p.Gly1243=; no amino-acid change (glycine 1243 retained).
Molecular consequence: synonymous variant.
Genome position (GRCh38, 1-based): chr17:61,683,317, G>A on the plus strand (C>T on the coding strand, the complement: BRIP1 is on the minus strand). VCF-style: chr17-61683317-G-A. GRCh37 (hg19) VCF-style: chr17-59760678-G-A.
Identifiers: ClinVar variation 3378638 (VCV003378638.1).